The following is an entry in ClinVar:

ClinVar aggregate classification (germline): Uncertain significance (1 of 4 stars; one submission).

Submission:

Labcorp Genetics (formerly Invitae), Labcorp
Classification: Uncertain significance. Last evaluated: 2022-09-27. Review status: criteria provided, single submitter. Criteria: Invitae Variant Classification Sherloc (09022015). Collection method: clinical testing. Allele origin: germline.
Comment: This sequence change replaces serine, which is neutral and polar, with asparagine, which is neutral and polar, at codon 875 of the LAMC3 protein (p.Ser875Asn). This variant is not present in population databases (gnomAD no frequency). This variant has not been reported in the literature in individuals affected with LAMC3-related conditions. Algorithms developed to predict the effect of missense changes on protein structure and function output the following: SIFT: "Tolerated"; PolyPhen-2: "Benign"; Align-GVGD: "Class C0". The asparagine amino acid residue is found in multiple mammalian species, which suggests that this missense change does not adversely affect protein function. In summary, the available evidence is currently insufficient to determine the role of this variant in disease. Therefore, it has been classified as a Variant of Uncertain Significance.

NM_006059.4(LAMC3):c.2624G>A (p.Ser875Asn)

Gene: LAMC3 (laminin subunit gamma 3; plus strand). Cytogenetic location: 9q34.12.
Variant type: single nucleotide variant.
Coding change: c.2624G>A on transcript NM_006059.4 (MANE Select); coding-DNA position 2624, G replaced by A.
Protein change: p.Ser875Asn; replaces serine 875 with asparagine.
Molecular consequence: missense variant.
Genome position (GRCh38, 1-based): chr9:131,068,108, G>A. VCF-style: chr9-131068108-G-A. GRCh37 (hg19) VCF-style: chr9-133943495-G-A.
Other names: short protein forms S875N.
Identifiers: ClinVar variation 1720437 (VCV001720437.3), dbSNP rs2538301463, ClinGen allele CA375253600.